The following is an entry in ClinVar:

ClinVar aggregate classification (germline): Benign. Review status: criteria provided, multiple submitters, no conflicts (2 of 4 stars). 5 submissions from 5 submitters: Benign (5). Last evaluated 2026-02-01.

Conditions:
Methylcobalamin deficiency type cblE (HMAE). Also called: HOMOCYSTINURIA-MEGALOBLASTIC ANEMIA, cblE COMPLEMENTATION TYPE; HOMOCYSTINURIA-MEGALOBLASTIC ANEMIA, cblE TYPE; VITAMIN B12-RESPONSIVE HOMOCYSTINURIA, cblE TYPE. Identifiers: Orphanet 2169, Orphanet 622, MedGen C1856057, MONDO:0009354, OMIM 236270.

Allele frequency attached by ClinVar (database versions not stated): 1000 Genomes Project 0.00799; 1000 Genomes Project 30x 0.00843; gnomAD exomes 0.01540 and 0.01990; TOPMed 0.01700; ESP Exome Variant Server 0.01991.
gnomAD v4.1: 31,030 of 1,586,230 alleles (2%); highest among the groups gnomAD compares: Non-Finnish European, 2.3%; 345 homozygotes.

Submissions (5):

Labcorp Genetics (formerly Invitae), Labcorp
Classification: Benign for Methylcobalamin deficiency type cblE. Last evaluated: 2026-02-01. Review status: criteria provided, single submitter. Criteria: Invitae Variant Classification Sherloc (09022015). Collection method: clinical testing. Allele origin: germline.

ARUP Laboratories, Molecular Genetics and Genomics, ARUP Laboratories
Classification: Benign. Last evaluated: 2023-09-13. Review status: criteria provided, single submitter. Criteria: ARUP Molecular Germline Variant Investigation Process 2024. Collection method: clinical testing. Allele origin: germline.

Mayo Clinic Laboratories, Mayo Clinic
Classification: Benign. Last evaluated: 2023-08-15. Review status: criteria provided, single submitter. Criteria: ACMG Guidelines, 2015. Collection method: clinical testing. Allele origin: germline. Observed: 6 variant alleles.
Comment: BA1, BP4, BP7

GeneDx
Classification: Benign. Last evaluated: 2014-05-16. Review status: criteria provided, single submitter. Criteria: GeneDx Variant Classification (06012015). Collection method: clinical testing. Allele origin: germline. Affected: yes.
Comment: This variant is considered likely benign or benign based on one or more of the following criteria: it is a conservative change, it occurs at a poorly conserved position in the protein, it is predicted to be benign by multiple in silico algorithms, and/or has population frequency not consistent with disease.

Breakthrough Genomics
Classification: Benign. Review status: criteria provided, single submitter. Criteria: ACMG Guidelines, 2015. Collection method: not provided. Allele origin: germline. Inheritance: Autosomal recessive inheritance. Affected: yes.

NM_002454.3(MTRR):c.1370+19G>A

Gene: MTRR (5-methyltetrahydrofolate-homocysteine methyltransferase reductase; plus strand). Cytogenetic location: 5p15.31.
Variant type: single nucleotide variant.
Coding change: c.1370+19G>A on transcript NM_002454.3 (MANE Select); 19 bases into the intron after coding-DNA position 1370, G replaced by A.
Molecular consequence: intron variant.
Genome position (GRCh38, 1-based): chr5:7,891,433, G>A. VCF-style: chr5-7891433-G-A. GRCh37 (hg19) VCF-style: chr5-7891546-G-A.
Other names: p.?; c.1370+19G>A (NM_001364440.2, NM_001364441.2, NM_001364442.2 and 1 more transcripts).
Identifiers: ClinVar variation 138295 (VCV000138295.23), dbSNP rs113005255, ClinGen allele CA292226.